The following is an entry in ClinVar:

ClinVar aggregate classification (germline): Uncertain significance. Review status: criteria provided, multiple submitters, no conflicts (2 of 4 stars). 3 submissions from 3 submitters: Uncertain significance (3). Last evaluated 2025-07-23.

Conditions:
Hypertrophic cardiomyopathy 9. Also called: Familial hypertrophic cardiomyopathy 9. Identifiers: MedGen C1861065, MONDO:0013412, OMIM 613765.
Tibial muscular dystrophy (TMD). Also called: UDD MYOPATHY; Udd Distal Myopathy – Tibial Muscular Dystrophy; Tibial muscular dystrophy, tardive. Identifiers: Orphanet 609, MedGen C1838244, MONDO:0010870, OMIM 600334.
Early-onset myopathy with fatal cardiomyopathy (CMYO5). Also called: Salih Myopathy; CONGENITAL MYOPATHY 5 WITH CARDIOMYOPATHY. Identifiers: Orphanet 289377, MedGen C2673677, MONDO:0012714, OMIM 611705. Disease mechanism: loss of function.
Myopathy, myofibrillar, 9, with early respiratory failure (MFM9). Also called: MYOPATHY, PROXIMAL, WITH EARLY RESPIRATORY MUSCLE INVOLVEMENT; Hereditary myopathy with early respiratory failure; EDSTROM MYOPATHY; Myopathy, distal, with early respiratory failure, autosomal dominant. Identifiers: Orphanet 178464, Orphanet 34521, MedGen C1863599, MONDO:0011362, OMIM 603689.
Dilated cardiomyopathy 1G (CMD1G). Identifiers: Orphanet 154, MedGen C1858763, MONDO:0011400, OMIM 604145.
Autosomal recessive limb-girdle muscular dystrophy type 2J (LGMDR10). Also called: Limb-girdle muscular dystrophy, type 2J; MUSCULAR DYSTROPHY, LIMB-GIRDLE, AUTOSOMAL RECESSIVE 10. Identifiers: Orphanet 140922, MedGen C1837342, MONDO:0012127, OMIM 608807.

Allele frequency attached by ClinVar (database versions not stated): gnomAD 0.00001; gnomAD exomes 0.00001 and 0.00002; TOPMed 0.00001; ExAC 0.00003.
gnomAD v4.1: 10 of 1,613,918 alleles (0.00062%); highest among the groups gnomAD compares: South Asian, 0.0044%; no homozygotes.

Submissions (3):

GeneDx
Classification: Uncertain significance. Last evaluated: 2025-07-23. Review status: criteria provided, single submitter. Criteria: GeneDx Variant Classification Process June 2021. Collection method: clinical testing. Allele origin: germline. Affected: yes.
Comment: Not observed at significant frequency in large population cohorts (gnomAD); Missense variant in a gene in which most reported pathogenic variants are truncating/loss of function; Has not been previously published as pathogenic or benign to our knowledge

Labcorp Genetics (formerly Invitae), Labcorp
Classification: Uncertain significance for Dilated cardiomyopathy 1G; Autosomal recessive limb-girdle muscular dystrophy type 2J. Last evaluated: 2025-05-19. Review status: criteria provided, single submitter. Criteria: Invitae Variant Classification Sherloc (09022015). Collection method: clinical testing. Allele origin: germline.
Comment: This sequence change replaces asparagine, which is neutral and polar, with serine, which is neutral and polar, at codon 34978 of the TTN protein (p.Asn34978Ser). This variant is present in population databases (rs780028847, gnomAD 0.004%). This variant has not been reported in the literature in individuals affected with TTN-related conditions. ClinVar contains an entry for this variant (Variation ID: 1041524). Experimental studies and prediction algorithms are not available or were not evaluated, and the functional significance of this variant is currently unknown. This variant is located in the M band of TTN (PMID: 25589632). Non-truncating variants in this region may be relevant for neuromuscular disorders, but have not been definitively shown to cause cardiomyopathy (PMID: 23975875). In summary, the available evidence is currently insufficient to determine the role of this variant in disease. Therefore, it has been classified as a Variant of Uncertain Significance.

Fulgent Genetics
Classification: Uncertain significance for Tibial muscular dystrophy; Myopathy, myofibrillar, 9, with early respiratory failure; Dilated cardiomyopathy 1G; Autosomal recessive limb-girdle muscular dystrophy type 2J; Early-onset myopathy with fatal cardiomyopathy; Hypertrophic cardiomyopathy 9. Last evaluated: 2022-04-07. Review status: criteria provided, single submitter. Criteria: ACMG Guidelines, 2015. Collection method: clinical testing. Allele origin: unknown.

Literature cited by the submitters: PubMed 25589632 (cited by Labcorp Genetics (formerly Invitae), Labcorp); PubMed 23975875 (cited by Labcorp Genetics (formerly Invitae), Labcorp).

NM_001267550.2(TTN):c.104933A>G (p.Asn34978Ser)

Genes: TTN (titin; minus strand), TTN-AS1 (TTN antisense RNA 1; plus strand). Cytogenetic location: 2q31.2.
Variant type: single nucleotide variant.
Coding change: c.104933A>G on transcript NM_001267550.2 (MANE Select); coding-DNA position 104933, A replaced by G.
Protein change: p.Asn34978Ser; replaces asparagine 34978 with serine.
Molecular consequence: missense variant.
Genome position (GRCh38, 1-based): chr2:178,531,682, T>C on the plus strand (A>G on the coding strand, the complement: TTN is on the minus strand). VCF-style: chr2-178531682-T-C. GRCh37 (hg19) VCF-style: chr2-179396409-T-C.
Other names: c.104933A>G (NM_001267550.1); c.100010A>G, p.Asn33337Ser (NM_001256850.1); c.77738A>G, p.Asn25913Ser (NM_003319.4); c.97229A>G, p.Asn32410Ser (NM_133378.4); c.78113A>G, p.Asn26038Ser (NM_133432.3); c.78314A>G, p.Asn26105Ser (NM_133437.4); short protein forms N32410S, N25913S, N26105S, N33337S, N34978S, N26038S.
Identifiers: ClinVar variation 1041524 (VCV001041524.10), dbSNP rs780028847, ClinGen allele CA1985334.